The following is an entry in ClinVar:

ClinVar aggregate classification (germline): Uncertain significance. Review status: criteria provided, multiple submitters, no conflicts (2 of 4 stars). 2 submissions from 2 submitters: Uncertain significance (2). Last evaluated 2023-11-15.

Conditions:
Inborn genetic diseases. Identifiers: MedGen C0950123, MeSH D030342.

Allele frequency attached by ClinVar (database versions not stated): gnomAD 0.00001; gnomAD exomes 0.00002 and 0.00004; TOPMed 0.00003; ExAC 0.00004.
gnomAD v4.1: 37 of 1,613,250 alleles (0.0023%); highest among the groups gnomAD compares: Admixed American, 0.012%; no homozygotes.

Submissions (2):

Ambry Genetics
Classification: Uncertain significance for Inborn genetic diseases. Last evaluated: 2023-11-15. Review status: criteria provided, single submitter. Criteria: Ambry Variant Classification Scheme 2023. Collection method: clinical testing. Allele origin: germline.

GeneDx
Classification: Uncertain significance. Last evaluated: 2017-03-02. Review status: criteria provided, single submitter. Criteria: GeneDx Variant Classification (06012015). Collection method: clinical testing. Allele origin: germline. Affected: yes.
Comment: The A599T variant in the COG4 gene has not been reported previously as a pathogenic variant, nor as a benign variant, to our knowledge. The A599T variant is observed in 3/11562 (0.026%) alleles from individuals of Latino background in the ExAC dataset, and no individuals were reported to be homozygous (Lek et al., 2016). The A599T variant is a non-conservative amino acid substitution, which is likely to impact secondary protein structure as these residues differ in polarity, charge, size and/or other properties. This substitution occurs at a position that is conserved in mammals. In silico analysis is inconsistent in its predictions as to whether or not the variant is damaging to the protein structure/function. We interpret A599T as a variant of uncertain significance.

NM_015386.3(COG4):c.1795G>A (p.Ala599Thr)

Gene: COG4 (component of oligomeric golgi complex 4; minus strand). Cytogenetic location: 16q22.1.
Variant type: single nucleotide variant.
Coding change: c.1795G>A on transcript NM_015386.3 (MANE Select); coding-DNA position 1795, G replaced by A.
Protein change: p.Ala599Thr; replaces alanine 599 with threonine.
Molecular consequence: missense variant. On other transcripts: non-coding transcript variant (1).
Genome position (GRCh38, 1-based): chr16:70,483,885, C>T on the plus strand (G>A on the coding strand, the complement: COG4 is on the minus strand). VCF-style: chr16-70483885-C-T. GRCh37 (hg19) VCF-style: chr16-70517788-C-T.
Other names: c.1720G>A, p.Ala574Thr (NM_001195139.2); c.1369G>A, p.Ala457Thr (NM_001365426.1); short protein forms A599T, A574T, A457T.
Identifiers: ClinVar variation 423833 (VCV000423833.3), dbSNP rs759705702, ClinGen allele CA8144197.